The following is an entry in ClinVar:

ClinVar aggregate classification (germline): Uncertain significance (1 of 4 stars; one submission).

Allele frequency attached by ClinVar (database versions not stated): TOPMed 0.00002; ExAC 0.00003; gnomAD 0.00003.
gnomAD v4.1: 59 of 1,613,770 alleles (0.0037%); highest among the groups gnomAD compares: Middle Eastern, 0.016%; no homozygotes.

Submission:

Ambry Genetics
Classification: Uncertain significance. Last evaluated: 2026-05-11. Review status: criteria provided, single submitter. Criteria: Ambry Variant Classification Scheme 2023. Collection method: clinical testing. Allele origin: germline.
Comment: The c.4193T>C (p.I1398T) alteration is located in exon 22 (coding exon 21) of the ZNF638 gene. This alteration results from a T to C substitution at nucleotide position 4193, causing the isoleucine (I) at amino acid position 1398 to be replaced by a threonine (T). Based on data from gnomAD, the C allele has an overall frequency of 0.002% (6/248134) total alleles studied. The highest observed frequency was 0.013% (4/30516) of South Asian alleles. Based on insufficient or conflicting evidence, the clinical significance of this alteration remains unclear.

NM_014497.5(ZNF638):c.4193T>C (p.Ile1398Thr)

Gene: ZNF638 (zinc finger protein 638; plus strand). Cytogenetic location: 2p13.2.
Variant type: single nucleotide variant.
Coding change: c.4193T>C on transcript NM_014497.5 (MANE Select); coding-DNA position 4193, T replaced by C.
Protein change: p.Ile1398Thr; replaces isoleucine 1398 with threonine.
Molecular consequence: missense variant.
Genome position (GRCh38, 1-based): chr2:71,423,707, T>C. VCF-style: chr2-71423707-T-C. GRCh37 (hg19) VCF-style: chr2-71650837-T-C.
Other names: c.4193T>C, p.Ile1398Thr (NM_001014972.3, NM_001252612.2, NM_001252613.2); short protein forms I1398T.
Identifiers: ClinVar variation 2521891 (VCV002521891.3), dbSNP rs748409176, ClinGen allele CA1704729.